The following is an entry in ClinVar:

NM_002591.4(PCK1):c.681G>A (p.Glu227=)

Gene: PCK1 (phosphoenolpyruvate carboxykinase 1; plus strand). Cytogenetic location: 20q13.31.
Variant type: single nucleotide variant.
Coding change: c.681G>A on transcript NM_002591.4 (MANE Select); coding-DNA position 681, G replaced by A.
Protein change: p.Glu227=; no amino-acid change (glutamic acid 227 retained).
Molecular consequence: synonymous variant.
Genome position (GRCh38, 1-based): chr20:57,563,098, G>A. VCF-style: chr20-57563098-G-A. GRCh37 (hg19) VCF-style: chr20-56138154-G-A.
Identifiers: ClinVar variation 1962656 (VCV001962656.5), dbSNP rs2070166590, ClinGen allele CA511310640.

ClinVar aggregate classification (germline): Uncertain significance (1 of 4 stars; one submission).

Submission:

Labcorp Genetics (formerly Invitae), Labcorp
Classification: Uncertain significance. Last evaluated: 2022-08-12. Review status: criteria provided, single submitter. Criteria: Invitae Variant Classification Sherloc (09022015). Collection method: clinical testing. Allele origin: germline.
Comment: In summary, the available evidence is currently insufficient to determine the role of this variant in disease. Therefore, it has been classified as a Variant of Uncertain Significance. Algorithms developed to predict the effect of sequence changes on RNA splicing suggest that this variant may create or strengthen a splice site. This variant has not been reported in the literature in individuals affected with PCK1-related conditions. This variant is not present in population databases (gnomAD no frequency). This sequence change affects codon 227 of the PCK1 mRNA. It is a 'silent' change, meaning that it does not change the encoded amino acid sequence of the PCK1 protein.